The following is an entry in ClinVar:

NM_002161.6(IARS1):c.3726C>T (p.Pro1242=)

Gene: IARS1 (isoleucyl-tRNA synthetase 1; minus strand). Cytogenetic location: 9q22.31.
Variant type: single nucleotide variant.
Coding change: c.3726C>T on transcript NM_002161.6 (MANE Select); coding-DNA position 3726, C replaced by T.
Protein change: p.Pro1242=; no amino-acid change (proline 1242 retained).
Molecular consequence: synonymous variant. On other transcripts: non-coding transcript variant (1).
Genome position (GRCh38, 1-based): chr9:92,210,870, G>A on the plus strand (C>T on the coding strand, the complement: IARS1 is on the minus strand). VCF-style: chr9-92210870-G-A. GRCh37 (hg19) VCF-style: chr9-94973152-G-A.
Other names: c.3651C>T, p.Pro1217= (NM_001374299.1, NM_001374300.1); c.3642C>T, p.Pro1214= (NM_001374301.1); c.3789C>T, p.Pro1263= (NM_001378569.1); c.3747C>T, p.Pro1249= (NM_001378571.1, NM_001378572.1); c.3726C>T, p.Pro1242= (NM_001378573.1, NM_001378574.1, NM_001378575.1 and 2 more transcripts); c.3684C>T, p.Pro1228= (NM_001378577.1); c.3666C>T, p.Pro1222= (NM_001378578.1, NM_001378579.1, NM_001378580.1); c.3630C>T, p.Pro1210= (NM_001378582.1); and 4 more.
Identifiers: ClinVar variation 3667853 (VCV003667853.8).

ClinVar aggregate classification (germline): Likely benign. Review status: criteria provided, multiple submitters, no conflicts (2 of 4 stars). 2 submissions from 2 submitters: Likely benign (2). Last evaluated 2025-11-01.

gnomAD v4.1: 73 of 1,606,952 alleles (0.0045%); highest among the groups gnomAD compares: Middle Eastern, 0.016%; no homozygotes.

Submissions (2):

CeGaT Center for Human Genetics Tuebingen
Classification: Likely benign. Last evaluated: 2025-11-01. Review status: criteria provided, single submitter. Criteria: CeGaT Center For Human Genetics Tuebingen Variant Classification Criteria Version 2. Collection method: clinical testing. Allele origin: germline. Affected: yes. Observed: 1 variant allele.
Comment: IARS1: BP4, BP7

Labcorp Genetics (formerly Invitae), Labcorp
Classification: Likely benign. Last evaluated: 2024-08-17. Review status: criteria provided, single submitter. Criteria: Invitae Variant Classification Sherloc (09022015). Collection method: clinical testing. Allele origin: germline.